The following is an entry in ClinVar:

NM_000051.4(ATM):c.463T>G (p.Tyr155Asp)

Gene: ATM (ATM serine/threonine kinase; plus strand). Cytogenetic location: 11q22.3.
Variant type: single nucleotide variant.
Coding change: c.463T>G on transcript NM_000051.4 (MANE Select); coding-DNA position 463, T replaced by G.
Protein change: p.Tyr155Asp; replaces tyrosine 155 with aspartic acid.
Molecular consequence: missense variant.
Genome position (GRCh38, 1-based): chr11:108,235,801, T>G. VCF-style: chr11-108235801-T-G. GRCh37 (hg19) VCF-style: chr11-108106528-T-G.
Other names: c.463T>G, p.Tyr155Asp (NM_001351834.2); short protein forms Y155D.
Identifiers: ClinVar variation 482729 (VCV000482729.5), dbSNP rs1555059450, ClinGen allele CA382525460.

ClinVar aggregate classification (germline): Uncertain significance (1 of 4 stars; one submission).

Conditions:
Hereditary cancer-predisposing syndrome. Also called: Neoplastic Syndromes, Hereditary; Tumor predisposition; Hereditary Cancer Syndrome; Hereditary neoplastic syndrome. Identifiers: Orphanet 140162, MedGen C0027672, MeSH D009386, MONDO:0015356.

Submission:

Ambry Genetics
Classification: Uncertain significance for Hereditary cancer-predisposing syndrome. Last evaluated: 2017-05-25. Review status: criteria provided, single submitter. Criteria: Ambry Variant Classification Scheme 2023. Collection method: clinical testing. Allele origin: germline.
Comment: The p.Y155D variant (also known as c.463T>G), located in coding exon 4 of the ATM gene, results from a T to G substitution at nucleotide position 463. The tyrosine at codon 155 is replaced by aspartic acid, an amino acid with highly dissimilar properties. This amino acid position is highly conserved in available vertebrate species. In addition, this alteration is predicted to be deleterious by in silico analysis. Since supporting evidence is limited at this time, the clinical significance of this alteration remains unclear.